The following is an entry in ClinVar:

ClinVar aggregate classification (germline): Uncertain significance (1 of 4 stars; one submission).

Conditions:
Congenital disorder of glycosylation, type Iaa. Also called: Congenital disorder of glycosylation, type 1aa. Identifiers: MedGen C4310727, MONDO:0014904, OMIM 617082.

Allele frequency attached by ClinVar (database versions not stated): gnomAD exomes below 0.00001.
gnomAD v4.1: 1 of 1,549,802 alleles (0.000065%); highest among the groups gnomAD compares: Non-Finnish European, 0.000087%; no homozygotes.

Submission:

Labcorp Genetics (formerly Invitae), Labcorp
Classification: Uncertain significance for Congenital disorder of glycosylation, type Iaa. Last evaluated: 2022-07-26. Review status: criteria provided, single submitter. Criteria: Invitae Variant Classification Sherloc (09022015). Collection method: clinical testing. Allele origin: germline.
Comment: In summary, the available evidence is currently insufficient to determine the role of this variant in disease. Therefore, it has been classified as a Variant of Uncertain Significance. Algorithms developed to predict the effect of missense changes on protein structure and function are either unavailable or do not agree on the potential impact of this missense change (SIFT: "Tolerated"; PolyPhen-2: "Probably Damaging"; Align-GVGD: "Class C0"). This variant has not been reported in the literature in individuals affected with NUS1-related conditions. This variant is not present in population databases (gnomAD no frequency). This sequence change replaces aspartic acid, which is acidic and polar, with histidine, which is basic and polar, at codon 116 of the NUS1 protein (p.Asp116His).

NM_138459.5(NUS1):c.346G>C (p.Asp116His)

Gene: NUS1 (NUS1 dehydrodolichyl diphosphate synthase subunit; plus strand). Cytogenetic location: 6q22.1.
Variant type: single nucleotide variant.
Coding change: c.346G>C on transcript NM_138459.5 (MANE Select); coding-DNA position 346, G replaced by C.
Protein change: p.Asp116His; replaces aspartic acid 116 with histidine.
Molecular consequence: missense variant.
Genome position (GRCh38, 1-based): chr6:117,676,016, G>C. VCF-style: chr6-117676016-G-C. GRCh37 (hg19) VCF-style: chr6-117997179-G-C.
Other names: short protein forms D116H.
Identifiers: ClinVar variation 2166962 (VCV002166962.4), dbSNP rs1321831305, ClinGen allele CA365536416.